The following is an entry in ClinVar:

NM_032119.4(ADGRV1):c.6339T>C (p.Asn2113=)

Gene: ADGRV1 (adhesion G protein-coupled receptor V1; plus strand). Cytogenetic location: 5q14.3.
Variant type: single nucleotide variant.
Coding change: c.6339T>C on transcript NM_032119.4 (MANE Select); coding-DNA position 6339, T replaced by C.
Protein change: p.Asn2113=; no amino-acid change (asparagine 2113 retained).
Molecular consequence: synonymous variant. On other transcripts: non-coding transcript variant (1).
Genome position (GRCh38, 1-based): chr5:90,685,844, T>C. VCF-style: chr5-90685844-T-C. GRCh37 (hg19) VCF-style: chr5-89981661-T-C.
Other names: c.6339T>C (NM_032119.3).
Identifiers: ClinVar variation 1917148 (VCV001917148.6), dbSNP rs2530844489, ClinGen allele CA445403474.

ClinVar aggregate classification (germline): Likely benign. Review status: criteria provided, multiple submitters, no conflicts (2 of 4 stars). 2 submissions from 2 submitters: Likely benign (2). Last evaluated 2025-11-13.

Conditions:
ADGRV1-related disorder. Also called: ADGRV1-related disorders; ADGRV1-related condition.

Allele frequency attached by ClinVar (database versions not stated): gnomAD exomes below 0.00001.
gnomAD v4.1: 2 of 1,612,424 alleles (0.00012%); highest among the groups gnomAD compares: Middle Eastern, 0.033%; no homozygotes.

Submissions (2):

PreventionGenetics, part of Exact Sciences
Classification: Likely benign for ADGRV1-related condition. Last evaluated: 2025-11-13. Review status: criteria provided, single submitter. Criteria: ACMG Guidelines, 2015. Collection method: clinical testing. Allele origin: germline.
Comment: This variant is classified as likely benign based on ACMG/AMP sequence variant interpretation guidelines (Richards et al. 2015 PMID: 25741868, with internal and published modifications).

Labcorp Genetics (formerly Invitae), Labcorp
Classification: Likely benign. Last evaluated: 2023-08-09. Review status: criteria provided, single submitter. Criteria: Invitae Variant Classification Sherloc (09022015). Collection method: clinical testing. Allele origin: germline.